The following is an entry in ClinVar:

ClinVar aggregate classification (germline): Likely benign (0 of 4 stars; one submission).

Conditions:
FUT3-related disorder. Also called: FUT3-related condition.

Submission:

PreventionGenetics, part of Exact Sciences
Classification: Likely benign for FUT3-related condition. Last evaluated: 2019-09-18. Review status: no assertion criteria provided. Collection method: clinical testing. Allele origin: germline.
Comment: This variant is classified as likely benign based on ACMG/AMP sequence variant interpretation guidelines (Richards et al. 2015 PMID: 25741868, with internal and published modifications).

NM_001097639.3(FUT3):c.384G>A (p.Gln128=)

Gene: FUT3 (fucosyltransferase 3 (Lewis blood group); minus strand). Cytogenetic location: 19p13.3.
Variant type: single nucleotide variant.
Coding change: c.384G>A on transcript NM_001097639.3 (MANE Select); coding-DNA position 384, G replaced by A.
Protein change: p.Gln128=; no amino-acid change (glutamine 128 retained).
Molecular consequence: synonymous variant.
Genome position (GRCh38, 1-based): chr19:5,844,456, C>T on the plus strand (G>A on the coding strand, the complement: FUT3 is on the minus strand). VCF-style: chr19-5844456-C-T. GRCh37 (hg19) VCF-style: chr19-5844467-C-T.
Other names: c.384G>A, p.Gln128= (NM_000149.4, NM_001097640.3, NM_001097641.3 and 8 more transcripts).
Identifiers: ClinVar variation 3355430 (VCV003355430.1).